The following is an entry in ClinVar:

ClinVar aggregate classification (germline): Likely pathogenic (1 of 4 stars; one submission).

Conditions:
Seizures, benign familial infantile, 3 (BFIS3). Also called: CONVULSIONS, BENIGN FAMILIAL INFANTILE, 3; Familial neonatal seizures. Identifiers: Orphanet 140927, Orphanet 306, MedGen C1843140, MONDO:0011904, OMIM 607745.
Developmental and epileptic encephalopathy, 11 (DEE11). Also called: Early infantile epileptic encephalopathy 11. Identifiers: Orphanet 1934, MedGen C3150987, MONDO:0013388, OMIM 613721.

Submission:

Labcorp Genetics (formerly Invitae), Labcorp
Classification: Likely pathogenic for Seizures, benign familial infantile, 3; Developmental and epileptic encephalopathy, 11. Last evaluated: 2018-12-04. Review status: criteria provided, single submitter. Criteria: Invitae Variant Classification Sherloc (09022015). Collection method: clinical testing. Allele origin: germline.
Comment: In summary, the currently available evidence indicates that the variant is pathogenic, but additional data are needed to prove that conclusively. Therefore, this variant has been classified as Likely Pathogenic. Algorithms developed to predict the effect of missense changes on protein structure and function are either unavailable or do not agree on the potential impact of this missense change (SIFT: "Deleterious"; PolyPhen-2: "Probably Damaging"; Align-GVGD: "Class C0"). This variant is not present in population databases (ExAC no frequency). This sequence change replaces valine with glutamic acid at codon 843 of the SCN2A protein (p.Val843Glu). The valine residue is highly conserved and there is a moderate physicochemical difference between valine and glutamic acid.

NM_001040142.2(SCN2A):c.2528T>A (p.Val843Glu)

Gene: SCN2A (sodium voltage-gated channel alpha subunit 2; plus strand). Cytogenetic location: 2q24.3.
Variant type: single nucleotide variant.
Coding change: c.2528T>A on transcript NM_001040142.2 (MANE Select); coding-DNA position 2528, T replaced by A.
Protein change: p.Val843Glu; replaces valine 843 with glutamic acid.
Molecular consequence: missense variant.
Genome position (GRCh38, 1-based): chr2:165,342,435, T>A. VCF-style: chr2-165342435-T-A. GRCh37 (hg19) VCF-style: chr2-166198945-T-A.
Other names: c.2528T>A, p.Val843Glu (NM_001040143.2, NM_001371246.1, NM_001371247.1 and 1 more transcripts); short protein forms V843E.
Identifiers: ClinVar variation 642543 (VCV000642543.9), dbSNP rs1574636716, ClinGen allele CA349012809.